The following is an entry in ClinVar:

NM_004715.5(CTDP1):c.2359C>T (p.Arg787Trp)

Gene: CTDP1 (CTD phosphatase subunit 1; plus strand). Cytogenetic location: 18q23.
Variant type: single nucleotide variant.
Coding change: c.2359C>T on transcript NM_004715.5 (MANE Select); coding-DNA position 2359, C replaced by T.
Protein change: p.Arg787Trp; replaces arginine 787 with tryptophan.
Molecular consequence: missense variant.
Genome position (GRCh38, 1-based): chr18:79,717,958, C>T. VCF-style: chr18-79717958-C-T. GRCh37 (hg19) VCF-style: chr18-77477958-C-T.
Other names: c.2002C>T, p.Arg668Trp (NM_001202504.1); c.2359C>T, p.Arg787Trp (NM_001318511.2, NM_048368.4); short protein forms R668W, R787W.
Identifiers: ClinVar variation 1990296 (VCV001990296.1), dbSNP rs776796987, ClinGen allele CA9010564.

ClinVar aggregate classification (germline): Uncertain significance (1 of 4 stars; one submission).

Allele frequency attached by ClinVar (database versions not stated): ExAC 0.00003; gnomAD 0.00005; TOPMed 0.00008; gnomAD exomes 0.00014.
gnomAD v4.1: 207 of 1,613,360 alleles (0.013%); highest among the groups gnomAD compares: Non-Finnish European, 0.017%; no homozygotes.

Submission:

Labcorp Genetics (formerly Invitae), Labcorp
Classification: Uncertain significance. Last evaluated: 2022-08-16. Review status: criteria provided, single submitter. Criteria: Invitae Variant Classification Sherloc (09022015). Collection method: clinical testing. Allele origin: germline.
Comment: This sequence change replaces arginine, which is basic and polar, with tryptophan, which is neutral and slightly polar, at codon 787 of the CTDP1 protein (p.Arg787Trp). This variant is present in population databases (rs776796987, gnomAD 0.007%). This variant has not been reported in the literature in individuals affected with CTDP1-related conditions. Algorithms developed to predict the effect of missense changes on protein structure and function are either unavailable or do not agree on the potential impact of this missense change (SIFT: "Deleterious"; PolyPhen-2: "Possibly Damaging"; Align-GVGD: "Class C0"). In summary, the available evidence is currently insufficient to determine the role of this variant in disease. Therefore, it has been classified as a Variant of Uncertain Significance.